The following is an entry in ClinVar:

ClinVar aggregate classification (germline): Uncertain significance. Review status: criteria provided, multiple submitters, no conflicts (2 of 4 stars). 2 submissions from 2 submitters: Uncertain significance (2). Last evaluated 2023-06-12.

Conditions:
Craniolenticulosutural dysplasia (CLSD). Also called: BOYADJIEV-JABS SYNDROME. Identifiers: Orphanet 50814, MedGen C1843042, MONDO:0011911, OMIM 607812.

gnomAD v4.1: 2 of 1,595,746 alleles (0.00013%); highest among the groups gnomAD compares: East Asian, 0.0022%; no homozygotes.

Submissions (2):

Ambry Genetics
Classification: Uncertain significance. Last evaluated: 2023-06-12. Review status: criteria provided, single submitter. Criteria: Ambry Variant Classification Scheme 2023. Collection method: clinical testing. Allele origin: germline.

Labcorp Genetics (formerly Invitae), Labcorp
Classification: Uncertain significance for Craniolenticulosutural dysplasia. Last evaluated: 2022-06-20. Review status: criteria provided, single submitter. Criteria: Invitae Variant Classification Sherloc (09022015). Collection method: clinical testing. Allele origin: germline.
Comment: This sequence change replaces glutamine, which is neutral and polar, with glutamic acid, which is acidic and polar, at codon 221 of the SEC23A protein (p.Gln221Glu). In summary, the available evidence is currently insufficient to determine the role of this variant in disease. Therefore, it has been classified as a Variant of Uncertain Significance. Algorithms developed to predict the effect of missense changes on protein structure and function are either unavailable or do not agree on the potential impact of this missense change (SIFT: "Not Available"; PolyPhen-2: "Benign"; Align-GVGD: "Not Available"). This variant has not been reported in the literature in individuals affected with SEC23A-related conditions. This variant is present in population databases (rs369778560, gnomAD 0.006%).

NM_006364.4(SEC23A):c.661C>G (p.Gln221Glu)

Gene: SEC23A (SEC23 homolog A, COPII component; minus strand). Cytogenetic location: 14q21.1.
Variant type: single nucleotide variant.
Coding change: c.661C>G on transcript NM_006364.4 (MANE Select); coding-DNA position 661, C replaced by G.
Protein change: p.Gln221Glu; replaces glutamine 221 with glutamic acid.
Molecular consequence: missense variant.
Genome position (GRCh38, 1-based): chr14:39,086,951, G>C on the plus strand (C>G on the coding strand, the complement: SEC23A is on the minus strand). VCF-style: chr14-39086951-G-C. GRCh37 (hg19) VCF-style: chr14-39556155-G-C.
Other names: c.661C>G (NM_006364.2); short protein forms Q221E.
Identifiers: ClinVar variation 1977371 (VCV001977371.7), dbSNP rs369778560, ClinGen allele CA259565667.